The following is an entry in ClinVar:

ClinVar aggregate classification (germline): Likely benign (0 of 4 stars; one submission).

Conditions:
UCP3-related disorder. Also called: UCP3-related condition.

Submission:

PreventionGenetics, part of Exact Sciences
Classification: Likely benign for UCP3-related condition. Last evaluated: 2023-12-04. Review status: no assertion criteria provided. Collection method: clinical testing. Allele origin: germline.
Comment: This variant is classified as likely benign based on ACMG/AMP sequence variant interpretation guidelines (Richards et al. 2015 PMID: 25741868, with internal and published modifications).

NM_003356.4(UCP3):c.366C>G (p.Ala122=)

Gene: UCP3 (uncoupling protein 3; minus strand). Cytogenetic location: 11q13.4.
Variant type: single nucleotide variant.
Coding change: c.366C>G on transcript NM_003356.4 (MANE Select); coding-DNA position 366, C replaced by G.
Protein change: p.Ala122=; no amino-acid change (alanine 122 retained).
Molecular consequence: synonymous variant.
Genome position (GRCh38, 1-based): chr11:74,005,905, G>C on the plus strand (C>G on the coding strand, the complement: UCP3 is on the minus strand). VCF-style: chr11-74005905-G-C. GRCh37 (hg19) VCF-style: chr11-73716950-G-C.
Other names: c.366C>G, p.Ala122= (NM_022803.3).
Identifiers: ClinVar variation 3042620 (VCV003042620.2), dbSNP rs140869187, ClinGen allele CA6181507.